The following is an entry in ClinVar:

NM_000722.4(CACNA2D1):c.118A>G (p.Met40Val)

Gene: CACNA2D1 (calcium voltage-gated channel auxiliary subunit alpha2delta 1; minus strand). Cytogenetic location: 7q21.11.
Variant type: single nucleotide variant.
Coding change: c.118A>G on transcript NM_000722.4 (MANE Select); coding-DNA position 118, A replaced by G.
Protein change: p.Met40Val; replaces methionine 40 with valine.
Molecular consequence: missense variant.
Genome position (GRCh38, 1-based): chr7:82,349,627, T>C on the plus strand (A>G on the coding strand, the complement: CACNA2D1 is on the minus strand). VCF-style: chr7-82349627-T-C. GRCh37 (hg19) VCF-style: chr7-81978943-T-C.
Other names: c.118A>G, p.Met40Val (NM_001302890.2, NM_001366867.1); short protein forms M40V.
Identifiers: ClinVar variation 2565385 (VCV002565385.2), dbSNP rs2491022437, ClinGen allele CA368018139.
Genomic context (GRCh38, chr7:82,349,627, plus strand): 5'-CATCAACAAGCTGATTGACTCCACTTGCTGTTTTTGCCAGTGTGACAAGGTCTTCTTGCA[T>C]CTTATCCACCCATGATTTGATACTGCAGAAATCAGAAAAGATTATGTTCTATCAGATCTC-3'
Protein context (NP_000713.2, residues 30-50): AVTIKSWVDK[Met40Val]QEDLVTLAKT

ClinVar aggregate classification (germline): Uncertain significance (1 of 4 stars; one submission).

Conditions:
Cardiovascular phenotype. Identifiers: MedGen CN230736.

Submission:

Ambry Genetics
Classification: Uncertain significance for Cardiovascular phenotype. Last evaluated: 2023-03-20. Review status: criteria provided, single submitter. Criteria: Ambry Variant Classification Scheme 2023. Collection method: clinical testing. Allele origin: germline.
Comment: The p.M40V variant (also known as c.118A>G), located in coding exon 2 of the CACNA2D1 gene, results from an A to G substitution at nucleotide position 118. The methionine at codon 40 is replaced by valine, an amino acid with highly similar properties. This amino acid position is conserved. In addition, the in silico prediction for this alteration is inconclusive. Since supporting evidence is limited at this time, the clinical significance of this alteration remains unclear.